The following is an entry in ClinVar:

ClinVar aggregate classification (germline): Uncertain significance. Review status: criteria provided, multiple submitters, no conflicts (2 of 4 stars). 5 submissions from 5 submitters: Uncertain significance (4). 1 of the submissions does not count toward it. Last evaluated 2025-11-03.

Conditions:
Inborn genetic diseases. Identifiers: MedGen C0950123, MeSH D030342.
Histiocytic medullary reticulosis. Also called: SEVERE COMBINED IMMUNODEFICIENCY WITH HYPEREOSINOPHILIA; Omenn syndrome. Identifiers: Orphanet 39041, MedGen C2700553, MONDO:0011338, OMIM 603554.
Severe combined immunodeficiency due to DCLRE1C deficiency (RS-SCID). Also called: SCID, AUTOSOMAL RECESSIVE, T CELL-NEGATIVE, B CELL-NEGATIVE, NK CELL-POSITIVE, WITH SENSITIVITY TO IONIZING RADIATION. Identifiers: Orphanet 275, MedGen C1865371, MONDO:0011225, OMIM 602450.

Allele frequency attached by ClinVar (database versions not stated): TOPMed below 0.00001; ExAC 0.00001; gnomAD 0.00001; gnomAD exomes below 0.00001.
gnomAD v4.1: 3 of 1,613,938 alleles (0.00019%); highest among the groups gnomAD compares: Admixed American, 0.0033%; no homozygotes.

Submissions (5):

Labcorp Genetics (formerly Invitae), Labcorp
Classification: Uncertain significance for Athabaskan severe combined immunodeficiency. Last evaluated: 2025-11-03. Review status: criteria provided, single submitter. Criteria: Invitae Variant Classification Sherloc (09022015). Collection method: clinical testing. Allele origin: germline.
Comment: This sequence change replaces proline, which is neutral and non-polar, with leucine, which is neutral and non-polar, at codon 580 of the DCLRE1C protein (p.Pro580Leu). This variant is present in population databases (rs780103215, gnomAD no frequency). This variant has not been reported in the literature in individuals affected with DCLRE1C-related conditions. ClinVar contains an entry for this variant (Variation ID: 235552). An algorithm developed to predict the effect of missense changes on protein structure and function (PolyPhen-2) suggests that this variant is likely to be tolerated. In summary, the available evidence is currently insufficient to determine the role of this variant in disease. Therefore, it has been classified as a Variant of Uncertain Significance.

Blueprint Genetics
Classification: Uncertain significance. Last evaluated: 2024-03-13. Review status: criteria provided, single submitter. Criteria: ACMG Guidelines, 2015. Collection method: clinical testing. Allele origin: germline.

Ambry Genetics
Classification: Uncertain significance for Inborn genetic diseases. Last evaluated: 2022-12-15. Review status: criteria provided, single submitter. Criteria: Ambry Variant Classification Scheme 2023. Collection method: clinical testing. Allele origin: germline.

Center for Pediatric Genomic Medicine, Children's Mercy Hospital and Clinics
Classification: Uncertain significance. Last evaluated: 2015-06-02. Review status: criteria provided, single submitter. Criteria: ACMG Guidelines, 2015. Collection method: clinical testing. Allele origin: germline.
ClinVar note: Converted during submission from Uncertain Significance to Uncertain significance.

Natera, Inc.
Classification: Uncertain significance for Omenn syndrome. Last evaluated: 2020-09-16. Review status: no assertion criteria provided. Collection method: clinical testing. Allele origin: germline. Not counted in ClinVar's aggregate classification.

NM_001033855.3(DCLRE1C):c.1739C>T (p.Pro580Leu)

Gene: DCLRE1C (DNA cross-link repair 1C; minus strand). Cytogenetic location: 10p13.
Variant type: single nucleotide variant.
Coding change: c.1739C>T on transcript NM_001033855.3 (MANE Select); coding-DNA position 1739, C replaced by T.
Protein change: p.Pro580Leu; replaces proline 580 with leucine.
Molecular consequence: missense variant. On other transcripts: non-coding transcript variant (4).
Genome position (GRCh38, 1-based): chr10:14,908,748, G>A on the plus strand (C>T on the coding strand, the complement: DCLRE1C is on the minus strand). VCF-style: chr10-14908748-G-A. GRCh37 (hg19) VCF-style: chr10-14950747-G-A.
Other names: c.1379C>T, p.Pro460Leu (NM_001033857.3, NM_001033858.3, NM_001289077.2 and 2 more transcripts); c.1394C>T, p.Pro465Leu (NM_001289076.2, NM_001289078.2, NM_001350966.2 and 1 more transcripts); c.1739C>T, p.Pro580Leu (NM_001350965.2); c.1739C>T (NM_001033855.1); short protein forms P580L, P460L, P465L.
Identifiers: ClinVar variation 235552 (VCV000235552.9), dbSNP rs780103215, ClinGen allele CA5416418.
Genomic context (GRCh38, chr10:14,908,748, plus strand): 5'-TCCTTTGGGCAAATTACATTTTGTTCCATGAGAGAGGCAGGAATATTCTCTTTGATTGTT[G>A]GTCTGTAGTCAGCTTTGTCCAAGGAAGTAATATCCCCACTGTTTCTCTCTTGGGAAGATA-3'
Protein context (NP_001029027.1, residues 570-590): ITSLDKADYR[Pro580Leu]TIKENIPASL